The following is an entry in ClinVar:

NM_012418.4(FSCN2):c.768G>T (p.Glu256Asp)

Gene: FSCN2 (fascin actin-bundling protein 2, retinal; plus strand). Cytogenetic location: 17q25.3.
Variant type: single nucleotide variant.
Coding change: c.768G>T on transcript NM_012418.4 (MANE Select); coding-DNA position 768, G replaced by T.
Protein change: p.Glu256Asp; replaces glutamic acid 256 with aspartic acid.
Molecular consequence: missense variant.
Genome position (GRCh38, 1-based): chr17:81,529,299, G>T. VCF-style: chr17-81529299-G-T. GRCh37 (hg19) VCF-style: chr17-79496325-G-T.
Other names: c.768G>T, p.Glu256Asp (NM_001077182.3); short protein forms E256D.
Identifiers: ClinVar variation 1364922 (VCV001364922.6), dbSNP rs1002976991, ClinGen allele CA401473859.
Genomic context (GRCh38, chr17:81,529,299, plus strand): 5'-CACCCTCAAGGCCGGCCGAAACACGCGACCTGGCAAGGATGAGCTCTTTGATCTGGAGGA[G>T]AGTCACCCACAGGTGGTGCTGGTGGCTGCCAACCACCGCTACGTCTCTGTGCGGCAAGGT-3'
Protein context (NP_036550.1, residues 246-266): PGKDELFDLE[Glu256Asp]SHPQVVLVAA

ClinVar aggregate classification (germline): Uncertain significance (1 of 4 stars; one submission).

Submission:

Labcorp Genetics (formerly Invitae), Labcorp
Classification: Uncertain significance. Last evaluated: 2024-11-05. Review status: criteria provided, single submitter. Criteria: Invitae Variant Classification Sherloc (09022015). Collection method: clinical testing. Allele origin: germline.
Comment: This sequence change replaces glutamic acid, which is acidic and polar, with aspartic acid, which is acidic and polar, at codon 256 of the FSCN2 protein (p.Glu256Asp). This variant is not present in population databases (gnomAD no frequency). This variant has not been reported in the literature in individuals affected with FSCN2-related conditions. ClinVar contains an entry for this variant (Variation ID: 1364922). An algorithm developed to predict the effect of missense changes on protein structure and function (PolyPhen-2) suggests that this variant is likely to be tolerated. In summary, the available evidence is currently insufficient to determine the role of this variant in disease. Therefore, it has been classified as a Variant of Uncertain Significance.